The following is an entry in ClinVar:

ClinVar aggregate classification (germline): Uncertain significance. Review status: criteria provided, multiple submitters, no conflicts (2 of 4 stars). 3 submissions from 3 submitters: Uncertain significance (3). Last evaluated 2026-06-26.

Conditions:
Ehlers-Danlos syndrome, spondylodysplastic type, 3. Also called: Ehlers-Danlos syndrome, spondylocheirodysplastic type. Identifiers: Orphanet 157965, MedGen C2676510, MONDO:0012873, OMIM 612350.

gnomAD v4.1: 6 of 1,613,186 alleles (0.00037%); highest among the groups gnomAD compares: Non-Finnish European, 0.00051%; no homozygotes.

Submissions (3):

Women's Health and Genetics/Laboratory Corporation of America, LabCorp
Classification: Uncertain significance. Last evaluated: 2026-06-26. Review status: criteria provided, single submitter. Criteria: LabCorp Variant Classification Summary - May 2015. Collection method: clinical testing. Allele origin: germline.

GeneDx
Classification: Uncertain significance. Last evaluated: 2021-05-17. Review status: criteria provided, single submitter. Criteria: GeneDx Variant Classification Process June 2021. Collection method: clinical testing. Allele origin: germline. Affected: yes.
Comment: Not observed at a significant frequency in large population cohorts (Lek et al., 2016); In silico analysis, which includes protein predictors and evolutionary conservation, supports that this variant does not alter protein structure/function; Has not been previously published as pathogenic or benign to our knowledge

Labcorp Genetics (formerly Invitae), Labcorp
Classification: Uncertain significance for Ehlers-Danlos syndrome, spondylodysplastic type, 3. Last evaluated: 2020-11-21. Review status: criteria provided, single submitter. Criteria: Invitae Variant Classification Sherloc (09022015). Collection method: clinical testing. Allele origin: germline.
Comment: In summary, the available evidence is currently insufficient to determine the role of this variant in disease. Therefore, it has been classified as a Variant of Uncertain Significance. Algorithms developed to predict the effect of missense changes on protein structure and function are either unavailable or do not agree on the potential impact of this missense change (SIFT: "Tolerated"; PolyPhen-2: "Possibly Damaging"; Align-GVGD: "Class C0"). This variant has not been reported in the literature in individuals with SLC39A13-related conditions. This variant is not present in population databases (ExAC no frequency). This sequence change replaces glycine with alanine at codon 13 of the SLC39A13 protein (p.Gly13Ala). The glycine residue is weakly conserved and there is a small physicochemical difference between glycine and alanine.

NM_001128225.3(SLC39A13):c.38G>C (p.Gly13Ala)

Gene: SLC39A13 (solute carrier family 39 member 13; plus strand). Cytogenetic location: 11p11.2.
Variant type: single nucleotide variant.
Coding change: c.38G>C on transcript NM_001128225.3 (MANE Select); coding-DNA position 38, G replaced by C.
Protein change: p.Gly13Ala; replaces glycine 13 with alanine.
Molecular consequence: missense variant. On other transcripts: non-coding transcript variant (1).
Genome position (GRCh38, 1-based): chr11:47,410,132, G>C. VCF-style: chr11-47410132-G-C. GRCh37 (hg19) VCF-style: chr11-47431683-G-C.
Other names: c.38G>C, p.Gly13Ala (NM_001330245.2, NM_152264.5); short protein forms G13A.
Identifiers: ClinVar variation 1213030 (VCV001213030.10), dbSNP rs148165667, ClinGen allele CA380308616.
Genomic context (GRCh38, chr11:47,410,132, plus strand): 5'-TTTTGTGTTTTTCAGTACGTGGCATGCCTGGATGTCCCTGCCCTGGCTGTGGCATGGCGG[G>C]CCCAAGGCTCCTCTTCCTCACTGCCCTTGCCCTGGAGCTCTTGGAAAGGGCTGGGGGTTC-3'
Protein context (NP_001121697.2, residues 3-23): GCPCPGCGMA[Gly13Ala]PRLLFLTALA